The following is an entry in ClinVar:

ClinVar aggregate classification (germline): Uncertain significance (1 of 4 stars; one submission).

Conditions:
VPS13B-related disorder. Also called: VPS13B-related condition.

Submission:

PreventionGenetics, part of Exact Sciences
Classification: Uncertain significance for VPS13B-related condition. Last evaluated: 2026-02-20. Review status: criteria provided, single submitter. Criteria: ACMG Guidelines, 2015. Collection method: clinical testing. Allele origin: germline.
Comment: The VPS13B c.7205G>A variant is predicted to result in the amino acid substitution p.Arg2402Lys. To our knowledge, this variant has not been reported in the literature or in a large population database (gnomAD), indicating this variant is rare. At this time, the clinical significance of this variant is uncertain due to the absence of conclusive functional and genetic evidence.

NM_152564.5(VPS13B):c.7205G>A (p.Arg2402Lys)

Gene: VPS13B (vacuolar protein sorting 13 homolog B; plus strand). Cytogenetic location: 8q22.2.
Variant type: single nucleotide variant.
Coding change: c.7205G>A on transcript NM_152564.5 (MANE Select); coding-DNA position 7205, G replaced by A.
Protein change: p.Arg2402Lys; replaces arginine 2402 with lysine.
Molecular consequence: missense variant.
Genome position (GRCh38, 1-based): chr8:99,766,928, G>A. VCF-style: chr8-99766928-G-A. GRCh37 (hg19) VCF-style: chr8-100779156-G-A.
Other names: c.7280G>A, p.Arg2427Lys (NM_017890.5); short protein forms R2402K, R2427K.
Identifiers: ClinVar variation 5002570 (VCV005002570.1).